The following is an entry in ClinVar:

ClinVar aggregate classification (germline): Benign/Likely benign. Review status: criteria provided, multiple submitters, no conflicts (2 of 4 stars). 3 submissions from 3 submitters: Benign (2); Likely benign (1). Last evaluated 2024-11-14.

Conditions:
Desbuquois dysplasia 1 (DBQD1). Also called: DESBUQUOIS DYSPLASIA 1, KIM VARIANT; MICROMELIC DWARFISM WITH VERTEBRAL AND METAPHYSEAL ABNORMALITIES AND ADVANCED CARPOTARSAL OSSIFICATION. Identifiers: Orphanet 1425, MedGen C4012146, MONDO:0009629, OMIM 251450.

Allele frequency attached by ClinVar (database versions not stated): 1000 Genomes Project 0.00759; 1000 Genomes Project 30x 0.00796; gnomAD 0.00905 and 0.00972; TOPMed 0.00976.

Submissions (3):

Blueprint Genetics
Classification: Likely benign. Last evaluated: 2024-11-14. Review status: criteria provided, single submitter. Criteria: ACMG Guidelines, 2015. Collection method: clinical testing. Allele origin: germline.

Illumina Laboratory Services, Illumina
Classification: Benign for Desbuquois dysplasia 1. Last evaluated: 2018-01-12. Review status: criteria provided, single submitter. Criteria: ICSL Variant Classification Criteria 13 December 2019. Collection method: clinical testing. Allele origin: germline.
Comment: This variant was observed in the ICSL laboratory as part of a predisposition screen in an ostensibly healthy population. It had not been previously curated by ICSL or reported in the Human Gene Mutation Database (HGMD: prior to June 1st, 2018), and was therefore a candidate for classification through an automated scoring system. Utilizing variant allele frequency, disease prevalence and penetrance estimates, and inheritance mode, an automated score was calculated to assess if this variant is too frequent to cause the disease. Based on the score and internal cut-off values, a variant classified as benign is not then subjected to further curation. The score for this variant resulted in a classification of benign for this disease.

Breakthrough Genomics
Classification: Benign. Review status: criteria provided, single submitter. Criteria: ACMG Guidelines, 2015. Collection method: not provided. Allele origin: germline. Inheritance: Autosomal recessive inheritance. Affected: yes.

NM_001159773.2(CANT1):c.-153G>T

Genes: CANT1 (calcium activated nucleotidase 1; minus strand), LOC130061867 (ATAC-STARR-seq lymphoblastoid silent region 9077; plus strand). Cytogenetic location: 17q25.3.
Variant type: single nucleotide variant.
Coding change: c.-153G>T on transcript NM_001159773.2 (MANE Select); 153 bases upstream of the start codon, G replaced by T.
Molecular consequence: 5 prime UTR variant.
Genome position (GRCh38, 1-based): chr17:79,009,670, C>A on the plus strand (G>T on the coding strand, the complement: CANT1 is on the minus strand). VCF-style: chr17-79009670-C-A. GRCh37 (hg19) VCF-style: chr17-77005752-C-A.
Other names: c.-292G>T (NM_001159772.2); c.-348G>T (NM_138793.4).
Identifiers: ClinVar variation 325717 (VCV000325717.7), dbSNP rs531435158, ClinGen allele CA10650350.
Genomic context (GRCh38, chr17:79,009,670, plus strand): 5'-GTCCGGGCCCGTGGCTGGGGCAGGGCGCCGGCGGCCGCGGGCGCAGTCACTCACCCGCTG[C>A]GGGGCTGGCTCCGGTGCCCGCGATCGGCGGGGCTTGGCTGGGCTTGGCTGGGCTTGGCTG-3'